The following is an entry in ClinVar:

ClinVar aggregate classification (germline): Uncertain significance (1 of 4 stars; one submission).

Submission:

Labcorp Genetics (formerly Invitae), Labcorp
Classification: Uncertain significance. Last evaluated: 2023-09-22. Review status: criteria provided, single submitter. Criteria: Invitae Variant Classification Sherloc (09022015). Collection method: clinical testing. Allele origin: germline.
Comment: Advanced modeling of protein sequence and biophysical properties (such as structural, functional, and spatial information, amino acid conservation, physicochemical variation, residue mobility, and thermodynamic stability) performed at Invitae indicates that this missense variant is expected to disrupt COL2A1 protein function. In summary, the available evidence is currently insufficient to determine the role of this variant in disease. Therefore, it has been classified as a Variant of Uncertain Significance. This variant has not been reported in the literature in individuals affected with COL2A1-related conditions. This variant is not present in population databases (gnomAD no frequency). This sequence change replaces tryptophan, which is neutral and slightly polar, with serine, which is neutral and polar, at codon 47 of the COL2A1 protein (p.Trp47Ser).

NM_001844.5(COL2A1):c.140G>C (p.Trp47Ser)

Gene: COL2A1 (collagen type II alpha 1 chain; minus strand). Cytogenetic location: 12q13.11.
Variant type: single nucleotide variant.
Coding change: c.140G>C on transcript NM_001844.5 (MANE Select); coding-DNA position 140, G replaced by C.
Protein change: p.Trp47Ser; replaces tryptophan 47 with serine.
Molecular consequence: missense variant. On other transcripts: intron variant (1).
Genome position (GRCh38, 1-based): chr12:48,000,071, C>G on the plus strand (G>C on the coding strand, the complement: COL2A1 is on the minus strand). VCF-style: chr12-48000071-C-G. GRCh37 (hg19) VCF-style: chr12-48393854-C-G.
Other names: c.86-1640G>C (NM_033150.3); short protein forms W47S.
Identifiers: ClinVar variation 2762604 (VCV002762604.3), dbSNP rs2540187780, ClinGen allele CA384526537.